The following is an entry in ClinVar:

NM_145262.4(GLYCTK):c.152C>T (p.Pro51Leu)

Gene: GLYCTK (glycerate kinase; plus strand). Cytogenetic location: 3p21.2.
Variant type: single nucleotide variant.
Coding change: c.152C>T on transcript NM_145262.4 (MANE Select); coding-DNA position 152, C replaced by T.
Protein change: p.Pro51Leu; replaces proline 51 with leucine.
Molecular consequence: missense variant. On other transcripts: non-coding transcript variant (3).
Genome position (GRCh38, 1-based): chr3:52,290,494, C>T. VCF-style: chr3-52290494-C-T. GRCh37 (hg19) VCF-style: chr3-52324510-C-T.
Other names: c.152C>T, p.Pro51Leu (NM_001144951.2); c.152C>T (NM_145262.3); short protein forms P51L.
Identifiers: ClinVar variation 1934880 (VCV001934880.6), dbSNP rs1364972186, ClinGen allele CA353068905.

ClinVar aggregate classification (germline): Uncertain significance. Review status: criteria provided, multiple submitters, no conflicts (2 of 4 stars). 2 submissions from 2 submitters: Uncertain significance (2). Last evaluated 2024-07-18.

Allele frequency attached by ClinVar (database versions not stated): gnomAD exomes below 0.00001; TOPMed below 0.00001.
gnomAD v4.1: 6 of 1,613,220 alleles (0.00037%); highest among the groups gnomAD compares: Admixed American, 0.0017%; no homozygotes.

Submissions (2):

GeneDx
Classification: Uncertain significance. Last evaluated: 2024-07-18. Review status: criteria provided, single submitter. Criteria: GeneDx Variant Classification Process June 2021. Collection method: clinical testing. Allele origin: germline. Affected: yes.
Comment: Not observed at significant frequency in large population cohorts (gnomAD); In silico analysis supports that this missense variant has a deleterious effect on protein structure/function; Has not been previously published as pathogenic or benign to our knowledge

Labcorp Genetics (formerly Invitae), Labcorp
Classification: Uncertain significance. Last evaluated: 2022-06-13. Review status: criteria provided, single submitter. Criteria: Invitae Variant Classification Sherloc (09022015). Collection method: clinical testing. Allele origin: germline.
Comment: In summary, the available evidence is currently insufficient to determine the role of this variant in disease. Therefore, it has been classified as a Variant of Uncertain Significance. Algorithms developed to predict the effect of missense changes on protein structure and function (SIFT, PolyPhen-2, Align-GVGD) all suggest that this variant is likely to be disruptive. This variant has not been reported in the literature in individuals affected with GLYCTK-related conditions. This variant is not present in population databases (gnomAD no frequency). This sequence change replaces proline, which is neutral and non-polar, with leucine, which is neutral and non-polar, at codon 51 of the GLYCTK protein (p.Pro51Leu).